The following is an entry in ClinVar:

ClinVar aggregate classification (germline): Uncertain significance (1 of 4 stars; one submission).

Allele frequency attached by ClinVar (database versions not stated): gnomAD exomes below 0.00001.
gnomAD v4.1: 1 of 1,546,692 alleles (0.000065%); no homozygotes.

Submission:

Women's Health and Genetics/Laboratory Corporation of America, LabCorp
Classification: Uncertain significance. Last evaluated: 2023-02-07. Review status: criteria provided, single submitter. Criteria: LabCorp Variant Classification Summary - May 2015. Collection method: clinical testing. Allele origin: germline.
Comment: Variant summary: KCNT2 c.1294+1G>T is located in a canonical splice-site and is predicted to affect mRNA splicing resulting in a significantly altered protein due to either exon skipping, shortening, or inclusion of intronic material. Several computational tools predict a significant impact on normal splicing: Three predict the variant abolishes the canonical 5' donor site. However, these predictions have yet to be confirmed by functional studies. The variant was absent in 245418 control chromosomes (gnomAD). The available data on variant occurrences in the general population are insufficient to allow any conclusion about variant significance. To our knowledge, no occurrence of c.1294+1G>T in individuals affected with Developmental And Epileptic Encephalopathy, 57 and no experimental evidence demonstrating its impact on protein function have been reported. No clinical diagnostic laboratories have submitted clinical-significance assessments for this variant to ClinVar after 2014. Based on the evidence outlined above, the variant was classified as uncertain significance.

NM_198503.5(KCNT2):c.1294+1G>T

Gene: KCNT2 (potassium sodium-activated channel subfamily T member 2; minus strand). Cytogenetic location: 1q31.3.
Variant type: single nucleotide variant.
Coding change: c.1294+1G>T on transcript NM_198503.5 (MANE Select); the canonical splice donor site of the intron after coding-DNA position 1294, G replaced by T.
Molecular consequence: splice donor variant.
Genome position (GRCh38, 1-based): chr1:196,398,562, C>A on the plus strand (G>T on the coding strand, the complement: KCNT2 is on the minus strand). VCF-style: chr1-196398562-C-A. GRCh37 (hg19) VCF-style: chr1-196367692-C-A.
Other names: c.1294+1G>T (NM_001287820.3, NM_001287819.3).
Identifiers: ClinVar variation 2445750 (VCV002445750.1), dbSNP rs2527821598, ClinGen allele CA344081252.